The following is an entry in ClinVar:

NM_005802.5(TOPORS):c.14C>G (p.Pro5Arg)

Gene: TOPORS (TOP1 binding arginine/serine rich protein, E3 ubiquitin ligase; minus strand). Cytogenetic location: 9p21.1.
Variant type: single nucleotide variant.
Coding change: c.14C>G on transcript NM_005802.5 (MANE Select); coding-DNA position 14, C replaced by G.
Protein change: p.Pro5Arg; replaces proline 5 with arginine.
Molecular consequence: missense variant. On other transcripts: intron variant (1).
Genome position (GRCh38, 1-based): chr9:32,550,958, G>C on the plus strand (C>G on the coding strand, the complement: TOPORS is on the minus strand). VCF-style: chr9-32550958-G-C. GRCh37 (hg19) VCF-style: chr9-32550956-G-C.
Other names: c.3+1476C>G (NM_001195622.2); short protein forms P5R.
Identifiers: ClinVar variation 3460206 (VCV003460206.2).

ClinVar aggregate classification (germline): Uncertain significance. Review status: criteria provided, multiple submitters, no conflicts (2 of 4 stars). 2 submissions from 2 submitters: Uncertain significance (2). Last evaluated 2026-01-22.

Conditions:
Inborn genetic diseases. Identifiers: MedGen C0950123, MeSH D030342.

gnomAD v4.1: 46 of 1,610,954 alleles (0.0029%); highest among the groups gnomAD compares: Non-Finnish European, 0.0038%; no homozygotes.

Submissions (2):

Labcorp Genetics (formerly Invitae), Labcorp
Classification: Uncertain significance. Last evaluated: 2026-01-22. Review status: criteria provided, single submitter. Criteria: Invitae Variant Classification Sherloc (09022015). Collection method: clinical testing. Allele origin: germline.
Comment: This sequence change replaces proline, which is neutral and non-polar, with arginine, which is basic and polar, at codon 5 of the TOPORS protein (p.Pro5Arg). The frequency data for this variant in the population databases is considered unreliable, as metrics indicate poor data quality at this position in the gnomAD database. This variant has not been reported in the literature in individuals affected with TOPORS-related conditions. ClinVar contains an entry for this variant (Variation ID: 3460206). An algorithm developed to predict the effect of missense changes on protein structure and function (PolyPhen-2) suggests that this variant is likely to be tolerated. In summary, the available evidence is currently insufficient to determine the role of this variant in disease. Therefore, it has been classified as a Variant of Uncertain Significance.

Ambry Genetics
Classification: Uncertain significance for Inborn genetic diseases. Last evaluated: 2024-11-20. Review status: criteria provided, single submitter. Criteria: Ambry Variant Classification Scheme 2023. Collection method: clinical testing. Allele origin: germline.